The following is an entry in ClinVar:

NM_001042492.3(NF1):c.7225A>G (p.Thr2409Ala)

Gene: NF1 (neurofibromin 1; plus strand). Cytogenetic location: 17q11.2.
Variant type: single nucleotide variant.
Coding change: c.7225A>G on transcript NM_001042492.3 (MANE Select); coding-DNA position 7225, A replaced by G.
Protein change: p.Thr2409Ala; replaces threonine 2409 with alanine.
Molecular consequence: missense variant.
Genome position (GRCh38, 1-based): chr17:31,349,155, A>G. VCF-style: chr17-31349155-A-G. GRCh37 (hg19) VCF-style: chr17-29676173-A-G.
Other names: c.7162A>G, p.Thr2388Ala (NM_000267.4); short protein forms T2409A, T2388A.
Identifiers: ClinVar variation 484012 (VCV000484012.14), dbSNP rs1555536021, ClinGen allele CA399016723.

ClinVar aggregate classification (germline): Conflicting classifications of pathogenicity. Review status: criteria provided, conflicting classifications (1 of 4 stars). 3 submissions from 3 submitters: Uncertain significance (2); Likely benign (1). Last evaluated 2025-10-10.

Conditions:
Cardiovascular phenotype. Identifiers: MedGen CN230736.
Hereditary cancer-predisposing syndrome. Also called: Hereditary neoplastic syndrome; Neoplastic Syndromes, Hereditary; Tumor predisposition; Hereditary Cancer Syndrome. Identifiers: Orphanet 140162, MedGen C0027672, MeSH D009386, MONDO:0015356.
Neurofibromatosis, type 1 (NF1). Also called: VON RECKLINGHAUSEN DISEASE; Peripheral type neurofibromatosis; NEUROFIBROMATOSIS, TYPE I, SOMATIC; Neurofibromatosis, type I. Identifiers: Orphanet 636, MedGen C0027831, MONDO:0018975, OMIM 162200. Disease mechanism: loss of function.

Submissions (3):

Ambry Genetics
Classification: Uncertain significance for Cardiovascular phenotype; Hereditary cancer-predisposing syndrome. Last evaluated: 2025-10-10. Review status: criteria provided, single submitter. Criteria: Ambry Variant Classification Scheme 2023. Collection method: clinical testing. Allele origin: germline.
Comment: The p.T2388A variant (also known as c.7162A>G), located in coding exon 48 of the NF1 gene, results from an A to G substitution at nucleotide position 7162. The threonine at codon 2388 is replaced by alanine, an amino acid with similar properties. This amino acid position is highly conserved in available vertebrate species. In addition, the in silico prediction for this alteration is inconclusive. Since supporting evidence is limited at this time, the clinical significance of this alteration remains unclear.

Labcorp Genetics (formerly Invitae), Labcorp
Classification: Likely benign for Neurofibromatosis, type 1. Last evaluated: 2025-05-05. Review status: criteria provided, single submitter. Criteria: Invitae Variant Classification Sherloc (09022015). Collection method: clinical testing. Allele origin: germline.

Genome-Nilou Lab
Classification: Uncertain significance for Neurofibromatosis, type 1. Last evaluated: 2022-03-15. Review status: criteria provided, single submitter. Criteria: ACMG Guidelines, 2015. Collection method: clinical testing. Allele origin: germline. Affected: no.